The following is an entry in ClinVar:

ClinVar aggregate classification (germline): Likely benign. Review status: criteria provided, multiple submitters, no conflicts (2 of 4 stars). 2 submissions from 2 submitters: Likely benign (2). Last evaluated 2025-08-14.

Allele frequency attached by ClinVar (database versions not stated): gnomAD 0.00003 and 0.00006; TOPMed 0.00003; gnomAD exomes 0.00004 and 0.00006; ExAC 0.00007.
gnomAD v4.1: 73 of 1,612,944 alleles (0.0045%); highest among the groups gnomAD compares: African/African-American, 0.011%; no homozygotes.

Submissions (2):

Labcorp Genetics (formerly Invitae), Labcorp
Classification: Likely benign. Last evaluated: 2025-08-14. Review status: criteria provided, single submitter. Criteria: Invitae Variant Classification Sherloc (09022015). Collection method: clinical testing. Allele origin: germline.

CeGaT Center for Human Genetics Tuebingen
Classification: Likely benign. Last evaluated: 2023-08-01. Review status: criteria provided, single submitter. Criteria: CeGaT Center For Human Genetics Tuebingen Variant Classification Criteria Version 2. Collection method: clinical testing. Allele origin: germline. Affected: yes. Observed: 1 variant allele.
Comment: GNB1: BP4, BP7

NM_002074.5(GNB1):c.342C>T (p.Cys114=)

Gene: GNB1 (G protein subunit beta 1; minus strand). Cytogenetic location: 1p36.33.
Variant type: single nucleotide variant.
Coding change: c.342C>T on transcript NM_002074.5 (MANE Select); coding-DNA position 342, C replaced by T.
Protein change: p.Cys114=; no amino-acid change (cysteine 114 retained).
Molecular consequence: synonymous variant.
Genome position (GRCh38, 1-based): chr1:1,804,507, G>A on the plus strand (C>T on the coding strand, the complement: GNB1 is on the minus strand). VCF-style: chr1-1804507-G-A. GRCh37 (hg19) VCF-style: chr1-1735946-G-A.
Other names: c.42C>T, p.Cys14= (NM_001282538.2); c.342C>T, p.Cys114= (NM_001282539.2).
Identifiers: ClinVar variation 1547404 (VCV001547404.33), dbSNP rs556077872, ClinGen allele CA532046.